The following is an entry in ClinVar:

ClinVar aggregate classification (germline): Likely benign. Review status: criteria provided, multiple submitters, no conflicts (2 of 4 stars). 2 submissions from 2 submitters: Likely benign (2). Last evaluated 2026-09-01.

Conditions:
Developmental and epileptic encephalopathy, 54. Also called: HNRNPU-Related Neurodevelopmental Disorder; Epileptic encephalopathy, early infantile, 54. Identifiers: MedGen C4479319, MONDO:0033363, OMIM 617391.

Allele frequency attached by ClinVar (database versions not stated): TOPMed below 0.00001; gnomAD 0.00001; gnomAD exomes 0.00001.
gnomAD v4.1: 10 of 1,613,628 alleles (0.00062%); highest among the groups gnomAD compares: East Asian, 0.0022%; no homozygotes.

Submissions (2):

CeGaT Center for Human Genetics Tuebingen
Classification: Likely benign. Last evaluated: 2026-09-01. Review status: criteria provided, single submitter. Criteria: CeGaT Center For Human Genetics Tuebingen Variant Classification Criteria Version 2. Collection method: clinical testing. Allele origin: germline. Affected: yes. Observed: 1 variant allele.
Comment: HNRNPU: BP4, BP7

Labcorp Genetics (formerly Invitae), Labcorp
Classification: Likely benign for Developmental and epileptic encephalopathy, 54. Last evaluated: 2024-06-21. Review status: criteria provided, single submitter. Criteria: Invitae Variant Classification Sherloc (09022015). Collection method: clinical testing. Allele origin: germline.

NM_031844.3(HNRNPU):c.1590A>G (p.Thr530=)

Gene: HNRNPU (heterogeneous nuclear ribonucleoprotein U; minus strand). Cytogenetic location: 1q44.
Variant type: single nucleotide variant.
Coding change: c.1590A>G on transcript NM_031844.3 (MANE Select); coding-DNA position 1590, A replaced by G.
Protein change: p.Thr530=; no amino-acid change (threonine 530 retained).
Molecular consequence: synonymous variant.
Genome position (GRCh38, 1-based): chr1:244,857,622, T>C on the plus strand (A>G on the coding strand, the complement: HNRNPU is on the minus strand). VCF-style: chr1-244857622-T-C. GRCh37 (hg19) VCF-style: chr1-245020924-T-C.
Other names: c.1533A>G, p.Thr511= (NM_004501.3).
Identifiers: ClinVar variation 1115942 (VCV001115942.10), dbSNP rs1466576939, ClinGen allele CA424117856.